The following is an entry in ClinVar:

ClinVar aggregate classification (germline): Uncertain significance. Review status: criteria provided, multiple submitters, no conflicts (2 of 4 stars). 2 submissions from 2 submitters: Uncertain significance (2). Last evaluated 2024-05-07.

Conditions:
Charcot-Marie-Tooth disease axonal type 2P. Also called: CHARCOT-MARIE-TOOTH DISEASE, AXONAL, TYPE 2G; CMT 2G; CHARCOT-MARIE-TOOTH NEUROPATHY, TYPE 2P; Charcot-Marie-Tooth Neuropathy Type 2G. Identifiers: Orphanet 300319, Orphanet 99941, MedGen C3280797, MONDO:0013753, OMIM 614436.

Allele frequency attached by ClinVar (database versions not stated): gnomAD 0.00001; TOPMed below 0.00001.
gnomAD v4.1: 5 of 1,614,030 alleles (0.00031%); highest among the groups gnomAD compares: Middle Eastern, 0.049%; no homozygotes.

Submissions (2):

Mayo Clinic Laboratories, Mayo Clinic
Classification: Uncertain significance. Last evaluated: 2024-05-07. Review status: criteria provided, single submitter. Criteria: ACMG Guidelines, 2015. Collection method: clinical testing. Allele origin: germline. Observed: 1 variant allele.
Comment: BP4

Labcorp Genetics (formerly Invitae), Labcorp
Classification: Uncertain significance for Charcot-Marie-Tooth disease axonal type 2P. Last evaluated: 2024-03-08. Review status: criteria provided, single submitter. Criteria: Invitae Variant Classification Sherloc (09022015). Collection method: clinical testing. Allele origin: germline.
Comment: This sequence change replaces alanine, which is neutral and non-polar, with serine, which is neutral and polar, at codon 28 of the LRSAM1 protein (p.Ala28Ser). This variant is not present in population databases (gnomAD no frequency). This variant has not been reported in the literature in individuals affected with LRSAM1-related conditions. ClinVar contains an entry for this variant (Variation ID: 572610). Advanced modeling of protein sequence and biophysical properties (such as structural, functional, and spatial information, amino acid conservation, physicochemical variation, residue mobility, and thermodynamic stability) performed at Invitae indicates that this missense variant is not expected to disrupt LRSAM1 protein function with a negative predictive value of 80%. In summary, the available evidence is currently insufficient to determine the role of this variant in disease. Therefore, it has been classified as a Variant of Uncertain Significance.

NM_001005373.4(LRSAM1):c.82G>T (p.Ala28Ser)

Gene: LRSAM1 (leucine rich repeat and sterile alpha motif containing 1; plus strand). Cytogenetic location: 9q33.3.
Variant type: single nucleotide variant.
Coding change: c.82G>T on transcript NM_001005373.4 (MANE Select); coding-DNA position 82, G replaced by T.
Protein change: p.Ala28Ser; replaces alanine 28 with serine.
Molecular consequence: missense variant. On other transcripts: 5 prime UTR variant (1), non-coding transcript variant (2).
Genome position (GRCh38, 1-based): chr9:127,455,007, G>T. VCF-style: chr9-127455007-G-T. GRCh37 (hg19) VCF-style: chr9-130217286-G-T.
Other names: p.Ala28Ser; c.82G>T, p.Ala28Ser (NM_001005374.4, NM_001190723.3, NM_001384142.1 and 2 more transcripts); c.-703G>T (NM_001384144.1); short protein forms A28S.
Identifiers: ClinVar variation 572610 (VCV000572610.10), dbSNP rs1564248714, ClinGen allele CA374961737.